The following is an entry in ClinVar:

ClinVar aggregate classification (germline): Uncertain significance (1 of 4 stars; one submission).

Allele frequency attached by ClinVar (database versions not stated): ExAC 0.00001; gnomAD 0.00001.
gnomAD v4.1: 2 of 1,614,000 alleles (0.00012%); no homozygotes.

Submission:

Labcorp Genetics (formerly Invitae), Labcorp
Classification: Uncertain significance. Last evaluated: 2023-10-14. Review status: criteria provided, single submitter. Criteria: Invitae Variant Classification Sherloc (09022015). Collection method: clinical testing. Allele origin: germline.
Comment: This sequence change replaces serine, which is neutral and polar, with asparagine, which is neutral and polar, at codon 2950 of the KMT2A protein (p.Ser2950Asn). This variant is present in population databases (rs782028032, gnomAD 0.0009%). This variant has not been reported in the literature in individuals affected with KMT2A-related conditions. Advanced modeling of protein sequence and biophysical properties (such as structural, functional, and spatial information, amino acid conservation, physicochemical variation, residue mobility, and thermodynamic stability) performed at Invitae indicates that this missense variant is not expected to disrupt KMT2A protein function. In summary, the available evidence is currently insufficient to determine the role of this variant in disease. Therefore, it has been classified as a Variant of Uncertain Significance.

NM_001197104.2(KMT2A):c.8849G>A (p.Ser2950Asn)

Gene: KMT2A (lysine methyltransferase 2A; plus strand). Cytogenetic location: 11q23.3.
Variant type: single nucleotide variant.
Coding change: c.8849G>A on transcript NM_001197104.2 (MANE Select); coding-DNA position 8849, G replaced by A.
Protein change: p.Ser2950Asn; replaces serine 2950 with asparagine.
Molecular consequence: missense variant.
Genome position (GRCh38, 1-based): chr11:118,504,741, G>A. VCF-style: chr11-118504741-G-A. GRCh37 (hg19) VCF-style: chr11-118375456-G-A.
Other names: c.8939G>A, p.Ser2980Asn (NM_001412597.1); c.8840G>A, p.Ser2947Asn (NM_005933.4); short protein forms S2980N, S2950N, S2947N.
Identifiers: ClinVar variation 2799560 (VCV002799560.3), dbSNP rs782028032, ClinGen allele CA6304530.